The following is an entry in ClinVar:

ClinVar aggregate classification (germline): Uncertain significance. Review status: criteria provided, multiple submitters, no conflicts (2 of 4 stars). 2 submissions from 2 submitters: Uncertain significance (2). Last evaluated 2025-05-18.

Allele frequency attached by ClinVar (database versions not stated): gnomAD exomes below 0.00001 and 0.00001; TOPMed 0.00001.
gnomAD v4.1: 5 of 1,204,860 alleles (0.00041%); highest among the groups gnomAD compares: African/African-American, 0.007%; no homozygotes.

Submissions (2):

Labcorp Genetics (formerly Invitae), Labcorp
Classification: Uncertain significance. Last evaluated: 2025-05-18. Review status: criteria provided, single submitter. Criteria: Invitae Variant Classification Sherloc (09022015). Collection method: clinical testing. Allele origin: germline.
Comment: This sequence change replaces serine, which is neutral and polar, with cysteine, which is neutral and slightly polar, at codon 172 of the GRIA3 protein (p.Ser172Cys). This variant is present in population databases (no rsID available, gnomAD 0.008%). This variant has not been reported in the literature in individuals affected with GRIA3-related conditions. ClinVar contains an entry for this variant (Variation ID: 1196396). Invitae Evidence Modeling of protein sequence and biophysical properties (such as structural, functional, and spatial information, amino acid conservation, physicochemical variation, residue mobility, and thermodynamic stability) indicates that this missense variant is not expected to disrupt GRIA3 protein function with a negative predictive value of 80%. In summary, the available evidence is currently insufficient to determine the role of this variant in disease. Therefore, it has been classified as a Variant of Uncertain Significance.

GeneDx
Classification: Uncertain significance. Last evaluated: 2024-04-02. Review status: criteria provided, single submitter. Criteria: GeneDx Variant Classification Process June 2021. Collection method: clinical testing. Allele origin: germline. Affected: yes.
Comment: In silico analysis supports that this missense variant does not alter protein structure/function; Has not been previously published as pathogenic or benign to our knowledge

NM_007325.5(GRIA3):c.515C>G (p.Ser172Cys)

Gene: GRIA3 (glutamate ionotropic receptor AMPA type subunit 3; plus strand). Cytogenetic location: Xq25.
Variant type: single nucleotide variant.
Coding change: c.515C>G on transcript NM_007325.5 (MANE Select); coding-DNA position 515, C replaced by G.
Protein change: p.Ser172Cys; replaces serine 172 with cysteine.
Molecular consequence: missense variant.
Genome position (GRCh38, 1-based): chrX:123,326,032, C>G. VCF-style: chrX-123326032-C-G. GRCh37 (hg19) VCF-style: chrX-122459883-C-G.
Other names: c.515C>G, p.Ser172Cys (NM_000828.5); short protein forms S172C.
Identifiers: ClinVar variation 1196396 (VCV001196396.11), dbSNP rs1287493240, ClinGen allele CA414260952.